The following is an entry in ClinVar:

NM_144999.4(LRRC45):c.1068T>G (p.Ser356=)

Gene: LRRC45 (leucine rich repeat containing 45; plus strand). Cytogenetic location: 17q25.3.
Variant type: single nucleotide variant.
Coding change: c.1068T>G on transcript NM_144999.4 (MANE Select); coding-DNA position 1068, T replaced by G.
Protein change: p.Ser356=; no amino-acid change (serine 356 retained).
Molecular consequence: synonymous variant.
Genome position (GRCh38, 1-based): chr17:82,028,254, T>G. VCF-style: chr17-82028254-T-G. GRCh37 (hg19) VCF-style: chr17-79986130-T-G.
Identifiers: ClinVar variation 4986843 (VCV004986843.1).

ClinVar aggregate classification (germline): Likely benign (1 of 4 stars; one submission).

Conditions:
LRRC45-related disorder. Also called: LRRC45-related condition.

gnomAD v4.1: 11 of 1,578,304 alleles (0.0007%); highest among the groups gnomAD compares: Non-Finnish European, 0.00077%; no homozygotes.

Submission:

PreventionGenetics, part of Exact Sciences
Classification: Likely benign for LRRC45-related condition. Last evaluated: 2025-04-04. Review status: criteria provided, single submitter. Criteria: ACMG Guidelines, 2015. Collection method: clinical testing. Allele origin: germline.
Comment: This variant is classified as likely benign based on ACMG/AMP sequence variant interpretation guidelines (Richards et al. 2015 PMID: 25741868, with internal and published modifications).